The following is an entry in ClinVar:

NM_000038.6(APC):c.6467A>G (p.Glu2156Gly)

Gene: APC (APC regulator of Wnt signaling pathway; plus strand). Cytogenetic location: 5q22.2.
Variant type: single nucleotide variant.
Coding change: c.6467A>G on transcript NM_000038.6 (MANE Select); coding-DNA position 6467, A replaced by G.
Protein change: p.Glu2156Gly; replaces glutamic acid 2156 with glycine.
Molecular consequence: missense variant.
Genome position (GRCh38, 1-based): chr5:112,842,061, A>G. VCF-style: chr5-112842061-A-G. GRCh37 (hg19) VCF-style: chr5-112177758-A-G.
Other names: c.6467A>G, p.Glu2156Gly (NM_001127510.3, NM_001354895.2, NM_001407450.1); c.6413A>G, p.Glu2138Gly (NM_001127511.3); c.6521A>G, p.Glu2174Gly (NM_001354896.2, NM_001407447.1, NM_001407448.1 and 1 more transcripts); c.6497A>G, p.Glu2166Gly (NM_001354897.2); c.6392A>G, p.Glu2131Gly (NM_001354898.2); c.6383A>G, p.Glu2128Gly (NM_001354899.2); c.6344A>G, p.Glu2115Gly (NM_001354900.2); c.6290A>G, p.Glu2097Gly (NM_001354901.2, NM_001407453.1); and 11 more; short protein forms E1772G, E1873G, E1996G, E2027G, E2030G, E2055G, E2065G, E2073G.
Identifiers: ClinVar variation 1718103 (VCV001718103.6), dbSNP rs2149965481, ClinGen allele CA16035483.
Genomic context (GRCh38, chr5:112,842,061, plus strand): 5'-TTTCCCTGAAATCAGGAATCTCTCTGGGATCACCATTTCATCTTACACCTGATCAAGAAG[A>G]AAAACCCTTTACAAGTAATAAAGGCCCACGAATTCTAAAACCAGGGGAGAAAAGTACATT-3'
Protein context (NP_000029.2, residues 2146-2166): SPFHLTPDQE[Glu2156Gly]KPFTSNKGPR

ClinVar aggregate classification (germline): Uncertain significance (1 of 4 stars; one submission).

Conditions:
Familial adenomatous polyposis 1 (FAP1). Also called: FAMILIAL ADENOMATOUS POLYPOSIS 1, ATTENUATED; POLYPOSIS, ADENOMATOUS INTESTINAL. Identifiers: MedGen C2713442, MONDO:0021056, OMIM 175100. Disease mechanism: loss of function.

Submission:

Labcorp Genetics (formerly Invitae), Labcorp
Classification: Uncertain significance for Familial adenomatous polyposis 1. Last evaluated: 2022-08-27. Review status: criteria provided, single submitter. Criteria: Invitae Variant Classification Sherloc (09022015). Collection method: clinical testing. Allele origin: germline.
Comment: In summary, the available evidence is currently insufficient to determine the role of this variant in disease. Therefore, it has been classified as a Variant of Uncertain Significance. Algorithms developed to predict the effect of missense changes on protein structure and function (SIFT, PolyPhen-2, Align-GVGD) all suggest that this variant is likely to be tolerated. This variant has not been reported in the literature in individuals affected with APC-related conditions. This variant is not present in population databases (gnomAD no frequency). This sequence change replaces glutamic acid, which is acidic and polar, with glycine, which is neutral and non-polar, at codon 2156 of the APC protein (p.Glu2156Gly).